The following is an entry in ClinVar:

NM_004990.4(MARS1):c.433G>A (p.Asp145Asn)

Gene: MARS1 (methionyl-tRNA synthetase 1; plus strand). Cytogenetic location: 12q13.3.
Variant type: single nucleotide variant.
Coding change: c.433G>A on transcript NM_004990.4 (MANE Select); coding-DNA position 433, G replaced by A.
Protein change: p.Asp145Asn; replaces aspartic acid 145 with asparagine.
Molecular consequence: missense variant.
Genome position (GRCh38, 1-based): chr12:57,489,914, G>A. VCF-style: chr12-57489914-G-A. GRCh37 (hg19) VCF-style: chr12-57883697-G-A.
Other names: short protein forms D145N.
Identifiers: ClinVar variation 2042570 (VCV002042570.7), dbSNP rs1875799718, ClinGen allele CA385491608.

ClinVar aggregate classification (germline): Uncertain significance. Review status: criteria provided, multiple submitters, no conflicts (2 of 4 stars). 2 submissions from 2 submitters: Uncertain significance (2). Last evaluated 2025-08-29.

Conditions:
Charcot-Marie-Tooth disease axonal type 2U. Also called: CHARCOT-MARIE-TOOTH NEUROPATHY, TYPE 2U; CHARCOT-MARIE-TOOTH DISEASE, AXONAL, AUTOSOMAL DOMINANT, TYPE 2U. Identifiers: Orphanet 397735, MedGen C4084821, MONDO:0014566, OMIM 616280.
Severe early-onset pulmonary alveolar proteinosis due to MARS deficiency. Also called: PULMONARY ALVEOLAR PROTEINOSIS, REUNION ISLAND; Interstitial lung and liver disease. Identifiers: Orphanet 440427, MedGen C4225400, MONDO:0014206, OMIM 615486.

Allele frequency attached by ClinVar (database versions not stated): TOPMed 0.00001; gnomAD 0.00001; gnomAD exomes 0.00001.
gnomAD v4.1: 17 of 1,613,928 alleles (0.0011%); highest among the groups gnomAD compares: African/African-American, 0.0053%; no homozygotes.

Submissions (2):

Labcorp Genetics (formerly Invitae), Labcorp
Classification: Uncertain significance for Charcot-Marie-Tooth disease axonal type 2U; Severe early-onset pulmonary alveolar proteinosis due to MARS deficiency. Last evaluated: 2025-08-29. Review status: criteria provided, single submitter. Criteria: Invitae Variant Classification Sherloc (09022015). Collection method: clinical testing. Allele origin: germline.
Comment: This sequence change replaces aspartic acid, which is acidic and polar, with asparagine, which is neutral and polar, at codon 145 of the MARS protein (p.Asp145Asn). This variant is not present in population databases (gnomAD no frequency). This missense change has been observed in individual(s) with interstitial lung and liver disease (PMID: 28148924). It has also been observed to segregate with disease in related individuals. ClinVar contains an entry for this variant (Variation ID: 2042570). An algorithm developed to predict the effect of missense changes on protein structure and function (PolyPhen-2) suggests that this variant is likely to be disruptive. Algorithms developed to predict the effect of sequence changes on RNA splicing suggest that this variant may disrupt the consensus splice site. In summary, the available evidence is currently insufficient to determine the role of this variant in disease. Therefore, it has been classified as a Variant of Uncertain Significance.

Revvity Omics, Revvity
Classification: Uncertain significance. Last evaluated: 2023-04-03. Review status: criteria provided, single submitter. Criteria: ACMG Guidelines, 2015. Collection method: clinical testing. Allele origin: germline.

Literature cited by the submitters: PubMed 28148924 (cited by Labcorp Genetics (formerly Invitae), Labcorp).